The following is an entry in ClinVar:

ClinVar aggregate classification (germline): Conflicting classifications of pathogenicity. Review status: criteria provided, conflicting classifications (1 of 4 stars). 9 submissions from 9 submitters: Likely pathogenic (4); Uncertain significance (4). 1 of the submissions does not count toward it. Last evaluated 2026-05-20.

Conditions:
Arterial calcification, generalized, of infancy, 2. Identifiers: Orphanet 51608, MedGen C3276161, MONDO:0013768, OMIM 614473.
ABCC6-related disorder. Also called: ABCC6-related condition.
Pseudoxanthoma elasticum, forme fruste. Also called: PSEUDOXANTHOMA ELASTICUM, HETEROZYGOUS; Pseudoxanthoma Elasticum, Incomplete. Identifiers: Orphanet 758, MedGen C1867450, MONDO:0008333, OMIM 177850.
Autosomal recessive inherited pseudoxanthoma elasticum (PXE). Identifiers: Orphanet 758, MedGen CN032334, MONDO:0009925, OMIM 264800.

Allele frequency attached by ClinVar (database versions not stated): ExAC 0.00027; gnomAD 0.00029 and 0.00030; gnomAD exomes 0.00029 and 0.00032; TOPMed 0.00037; ESP Exome Variant Server 0.00062.
gnomAD v4.1: 467 of 1,613,892 alleles (0.029%); highest among the groups gnomAD compares: Non-Finnish European, 0.033%; no homozygotes.

Submissions (9):

PreventionGenetics, part of Exact Sciences
Classification: Likely pathogenic for ABCC6-related condition. Last evaluated: 2026-05-20. Review status: criteria provided, single submitter. Criteria: ACMG Guidelines, 2015. Collection method: clinical testing. Allele origin: germline.
Comment: The ABCC6 c.1108A>G variant is predicted to result in the amino acid substitution p.Asn370Asp. This variant has been reported in the compound heterozygous state in multiple individuals with pseudoxanthoma elasticum. In at least three patients, the second variant affecting the ABCC6 gene was the c.3421C>T (p.Arg1141*) recurrent pathogenic variant (Miksch et al. 2005. PubMed ID: 16086317; supplementary data, Saeidian et al. 2021. PubMed ID: 34906475). This variant was also described a large cohort of individuals with pseudoxanthoma elasticum (Haverkamp et al. 2025. PubMed ID: 40532969). This variant is reported in 0.048% of alleles in individuals of Ashkenazi Jewish descent in gnomAD. This variant is interpreted as likely pathogenic.

Genomic Medicine Center of Excellence, King Faisal Specialist Hospital and Research Centre
Classification: Uncertain significance for Autosomal recessive inherited pseudoxanthoma elasticum. Last evaluated: 2024-12-19. Review status: criteria provided, single submitter. Criteria: ACMG Guidelines, 2015. Collection method: clinical testing. Allele origin: germline.

CeGaT Center for Human Genetics Tuebingen
Classification: Likely pathogenic. Last evaluated: 2024-09-01. Review status: criteria provided, single submitter. Criteria: CeGaT Center For Human Genetics Tuebingen Variant Classification Criteria Version 2. Collection method: clinical testing. Allele origin: germline. Affected: yes. Observed: 1 variant allele.
Comment: ABCC6: PM3:Very Strong, PM2, BP4

Blueprint Genetics
Classification: Uncertain significance. Last evaluated: 2024-07-08. Review status: criteria provided, single submitter. Criteria: ACMG Guidelines, 2015. Collection method: clinical testing. Allele origin: germline.

Fulgent Genetics
Classification: Likely pathogenic for Pseudoxanthoma elasticum, forme fruste; Autosomal recessive inherited pseudoxanthoma elasticum; Arterial calcification, generalized, of infancy, 2. Last evaluated: 2024-05-16. Review status: criteria provided, single submitter. Criteria: ACMG Guidelines, 2015. Collection method: clinical testing. Allele origin: germline.

Centre for Mendelian Genomics, University Medical Centre Ljubljana
Classification: Uncertain significance for Arterial calcification, generalized, of infancy, 2. Last evaluated: 2018-10-22. Review status: criteria provided, single submitter. Criteria: ACMG Guidelines, 2015. Collection method: clinical testing. Allele origin: unknown. Affected: yes.
Comment: This variant was classified as: Uncertain significance. The available evidence on this variant's pathogenicity is insufficient or conflicting. The following ACMG criteria were applied in classifying this variant: PP2,PP5,BP4.

Laboratory for Molecular Medicine, Mass General Brigham Personalized Medicine
Classification: Uncertain significance. Last evaluated: 2016-11-11. Review status: criteria provided, single submitter. Criteria: ACMG Guidelines, 2015. Collection method: clinical testing. Allele origin: germline.
Comment: The p.Asn370Asp variant in ABCC6 has been reported in 2 compound heterozygous individuals with Pseudoxanthoma elasticum (Miksch 2005). This variant has been identified in 0.038% (25/66650) of European chromosomes by the Exome Aggregation Consortium (ExAC; dbSNP rs72653760). Although this variant has been seen in the general population, its frequency is low enough to be consistent with a recessive carrier frequency. However, computational prediction tools do not provide strong support for an impact to the protein and the amino acid position is poorly conserved reducing confidence in a pathogenic interpretation. In summary, additional studies are required to establish the clinical significance of the p.Asn370Asp variant given limited cases studies and conflicting computational and conservation assessments. It should also be noted that this variant occurs in a region of the gene that has high homology to a pseudogene. Caution should be exercised in the analytical detection of the variant in patient DNA.

Clinical Genetics Service, Universitary Hospital 12 de Octubre
Classification: Likely pathogenic for Autosomal recessive inherited pseudoxanthoma elasticum. Review status: criteria provided, single submitter. Criteria: ACMG Guidelines, 2015. Collection method: clinical testing. Allele origin: maternal. Affected: yes.

PXE International
Classification: Uncertain significance for Autosomal recessive inherited pseudoxanthoma elasticum. Last evaluated: 2021-03-01. Review status: no assertion criteria provided. Collection method: research. Allele origin: germline. Inheritance: Autosomal recessive inheritance. Affected: yes. Not counted in ClinVar's aggregate classification.

Literature cited by the submitters: PubMed 16086317 (cited by Laboratory for Molecular Medicine, Mass General Brigham Personalized Medicine and PXE International); PubMed 32873932 (cited by PXE International).

NM_001171.6(ABCC6):c.1108A>G (p.Asn370Asp)

Gene: ABCC6 (ATP binding cassette subfamily C member 6; minus strand). Cytogenetic location: 16p13.11.
Variant type: single nucleotide variant.
Coding change: c.1108A>G on transcript NM_001171.6 (MANE Select); coding-DNA position 1108, A replaced by G.
Protein change: p.Asn370Asp; replaces asparagine 370 with aspartic acid.
Molecular consequence: missense variant. On other transcripts: non-coding transcript variant (1).
Genome position (GRCh38, 1-based): chr16:16,202,069, T>C on the plus strand (A>G on the coding strand, the complement: ABCC6 is on the minus strand). VCF-style: chr16-16202069-T-C. GRCh37 (hg19) VCF-style: chr16-16295926-T-C.
Other names: c.766A>G, p.Asn256Asp (NM_001351800.1); short protein forms N370D, N256D.
Identifiers: ClinVar variation 433220 (VCV000433220.27), dbSNP rs72653760, ClinGen allele CA7926465.
Genomic context (GRCh38, chr16:16,202,069, plus strand): 5'-ACACCAGGCCAGTGATGGCCGACCGCAACCTCATCTGCAGCACCTTGAGCCTGTACATGT[T>C]CTGCTGCTCAAACAGCGTTTGCAGGCAGGCTGAGAGGAACATCAGCACGGCGAGGAGGTA-3'
Protein context (NP_001162.5, residues 360-380): ACLQTLFEQQ[Asn370Asp]MYRLKVLQMR